The following is an entry in ClinVar:

ClinVar aggregate classification (germline): Likely benign (0 of 4 stars; one submission).

Conditions:
AFP-related disorder. Also called: AFP-related condition.

Allele frequency attached by ClinVar (database versions not stated): ExAC 0.00031; ESP Exome Variant Server 0.00062; gnomAD 0.00098; 1000 Genomes Project 30x 0.00109; TOPMed 0.00112; 1000 Genomes Project 0.00120.

Submission:

PreventionGenetics, part of Exact Sciences
Classification: Likely benign for AFP-related condition. Last evaluated: 2022-02-09. Review status: no assertion criteria provided. Collection method: clinical testing. Allele origin: germline.
Comment: This variant is classified as likely benign based on ACMG/AMP sequence variant interpretation guidelines (Richards et al. 2015 PMID: 25741868, with internal and published modifications).

NM_001134.3(AFP):c.149T>A (p.Phe50Tyr)

Gene: AFP (alpha fetoprotein; plus strand). Cytogenetic location: 4q13.3.
Variant type: single nucleotide variant.
Coding change: c.149T>A on transcript NM_001134.3 (MANE Select); coding-DNA position 149, T replaced by A.
Protein change: p.Phe50Tyr; replaces phenylalanine 50 with tyrosine.
Molecular consequence: missense variant. On other transcripts: 5 prime UTR variant (1).
Genome position (GRCh38, 1-based): chr4:73,438,185, T>A. VCF-style: chr4-73438185-T-A. GRCh37 (hg19) VCF-style: chr4-74303902-T-A.
Other names: c.-184T>A (NM_001354717.2); short protein forms F50Y.
Identifiers: ClinVar variation 3051185 (VCV003051185.2), dbSNP rs146576905, ClinGen allele CA2959848.